The following is an entry in ClinVar:

NM_000020.3(ACVRL1):c.1004_1005del (p.Asn335fs)

Gene: ACVRL1 (activin A receptor like type 1; plus strand). Cytogenetic location: 12q13.13.
Variant type: Deletion.
Coding change: c.1004_1005del on transcript NM_000020.3 (MANE Select); coding-DNA positions 1004 to 1005, 2 bases deleted (AT; older notation c.1004_1005delAT).
Protein change: p.Asn335fs; shifts the reading frame from asparagine 335.
Molecular consequence: frameshift variant.
Genome position (GRCh38, 1-based): chr12:51,915,456-51,915,457, AT deleted. VCF-style (leftmost placement, unchanged base first): chr12-51915455-AAT-A. GRCh37 (hg19) VCF-style: chr12-52309239-AAT-A.
Other names: c.692_693del, p.Asn231fs (NM_001406491.1, NM_001406492.1, NM_001406493.1 and 2 more transcripts); c.440_441del, p.Asn147fs (NM_001406495.1); c.1004_1005del, p.Asn335fs (NM_001077401.2, NM_001406487.1, NM_001406488.1 and 1 more transcripts); short protein forms N147fs, N231fs, N335fs.
Identifiers: ClinVar variation 4715075 (VCV004715075.1).
Genomic context (GRCh38, chr12:51,915,455, plus strand): 5'-GTGGAGATCTTCGGTACACAGGGCAAACCAGCCATTGCCCACCGCGACTTCAAGAGCCGC[AAT>A]GTGCTGGTCAAGAGCAACCTGCAGTGTTGCATCGCCGACCTGGGTGAGCCGGGCGGGGCA-3'

ClinVar aggregate classification (germline): Pathogenic (1 of 4 stars; one submission).

Conditions:
Telangiectasia, hereditary hemorrhagic, type 2 (HHT2). Also called: Telangiectasia, hereditary hemorrhagic, type II; ACVRL1-Related Hereditary Hemorrhagic Telangiectasia. Identifiers: Orphanet 774, MedGen C1838163, MONDO:0010880, OMIM 600376. Disease mechanism: loss of function.

Submission:

Labcorp Genetics (formerly Invitae), Labcorp
Classification: Pathogenic for Telangiectasia, hereditary hemorrhagic, type 2. Last evaluated: 2025-03-13. Review status: criteria provided, single submitter. Criteria: Invitae Variant Classification Sherloc (09022015). Collection method: clinical testing. Allele origin: germline.
Comment: This sequence change creates a premature translational stop signal (p.Asn335Serfs*56) in the ACVRL1 gene. It is expected to result in an absent or disrupted protein product. Loss-of-function variants in ACVRL1 are known to be pathogenic (PMID: 15879500). This variant is not present in population databases (gnomAD no frequency). This variant has not been reported in the literature in individuals affected with ACVRL1-related conditions. For these reasons, this variant has been classified as Pathogenic.

Literature cited by the submitters: PubMed 15879500.